The following is an entry in ClinVar:

ClinVar aggregate classification (germline): Uncertain significance (1 of 4 stars; one submission).

Allele frequency attached by ClinVar (database versions not stated): gnomAD exomes below 0.00001; TOPMed below 0.00001.
gnomAD v4.1: 4 of 1,613,462 alleles (0.00025%); highest among the groups gnomAD compares: Middle Eastern, 0.017%; no homozygotes.

Submission:

Labcorp Genetics (formerly Invitae), Labcorp
Classification: Uncertain significance. Last evaluated: 2022-01-14. Review status: criteria provided, single submitter. Criteria: Invitae Variant Classification Sherloc (09022015). Collection method: clinical testing. Allele origin: germline.
Comment: This sequence change replaces histidine, which is basic and polar, with arginine, which is basic and polar, at codon 87 of the ASNS protein (p.His87Arg). This variant is not present in population databases (gnomAD no frequency). This variant has not been reported in the literature in individuals affected with ASNS-related conditions. Advanced modeling of protein sequence and biophysical properties (such as structural, functional, and spatial information, amino acid conservation, physicochemical variation, residue mobility, and thermodynamic stability) performed at Invitae indicates that this missense variant is not expected to disrupt ASNS protein function. In summary, the available evidence is currently insufficient to determine the role of this variant in disease. Therefore, it has been classified as a Variant of Uncertain Significance.

NM_001673.5(ASNS):c.260A>G (p.His87Arg)

Genes: ASNS (asparagine synthetase (glutamine-hydrolyzing); minus strand), CZ1P-ASNS (CZ1P-ASNS readthrough; minus strand). Cytogenetic location: 7q21.3.
Variant type: single nucleotide variant.
Coding change: c.260A>G on transcript NM_001673.5 (MANE Select); coding-DNA position 260, A replaced by G.
Protein change: p.His87Arg; replaces histidine 87 with arginine.
Molecular consequence: missense variant. On other transcripts: non-coding transcript variant (1).
Genome position (GRCh38, 1-based): chr7:97,864,486, T>C on the plus strand (A>G on the coding strand, the complement: ASNS is on the minus strand). VCF-style: chr7-97864486-T-C. GRCh37 (hg19) VCF-style: chr7-97493798-T-C.
Other names: c.197A>G, p.His66Arg (NM_001178075.2); c.11A>G, p.His4Arg (NM_001178076.2, NM_001178077.1); c.260A>G, p.His87Arg (NM_001352496.2, NM_133436.3, NM_183356.4); short protein forms H66R, H87R, H4R.
Identifiers: ClinVar variation 2167527 (VCV002167527.1), dbSNP rs1791872128, ClinGen allele CA368272596.
Genomic context (GRCh38, chr7:97,864,486, plus strand): 5'-TTGTCATAAAGATGAAGGATTATCTCACCATCCACTTTGGTCTGGTATTCAAATTCAAAA[T>C]GCTGTTGCATCTTAGGAAGCGAAAGCAAAACCAAAATGTTAGACTCCTTGTACATTCACT-3'
Protein context (NP_001664.3, residues 77-97): EIYNHKKMQQ[His87Arg]FEFEYQTKVD